The following is an entry in ClinVar:

NM_006517.5(SLC16A2):c.1320C>A (p.Gly440=)

Gene: SLC16A2 (solute carrier family 16 member 2; plus strand). Cytogenetic location: Xq13.2.
Variant type: single nucleotide variant.
Coding change: c.1320C>A on transcript NM_006517.5 (MANE Select); coding-DNA position 1320, C replaced by A.
Protein change: p.Gly440=; no amino-acid change (glycine 440 retained).
Molecular consequence: synonymous variant.
Genome position (GRCh38, 1-based): chrX:74,529,362, C>A. VCF-style: chrX-74529362-C-A. GRCh37 (hg19) VCF-style: chrX-73749197-C-A.
Identifiers: ClinVar variation 4821083 (VCV004821083.4).

ClinVar aggregate classification (germline): Likely benign (1 of 4 stars; one submission).

Submission:

CeGaT Center for Human Genetics Tuebingen
Classification: Likely benign. Last evaluated: 2026-02-01. Review status: criteria provided, single submitter. Criteria: CeGaT Center For Human Genetics Tuebingen Variant Classification Criteria Version 2. Collection method: clinical testing. Allele origin: germline. Affected: yes. Observed: 1 variant allele.
Comment: SLC16A2: PM2:Supporting, BP4, BP7